The following is an entry in ClinVar:

NM_024757.5(EHMT1):c.2551C>T (p.His851Tyr)

Gene: EHMT1 (euchromatic histone lysine methyltransferase 1; plus strand). Cytogenetic location: 9q34.3.
Variant type: single nucleotide variant.
Coding change: c.2551C>T on transcript NM_024757.5 (MANE Select); coding-DNA position 2551, C replaced by T.
Protein change: p.His851Tyr; replaces histidine 851 with tyrosine.
Molecular consequence: missense variant.
Genome position (GRCh38, 1-based): chr9:137,798,858, C>T. VCF-style: chr9-137798858-C-T. GRCh37 (hg19) VCF-style: chr9-140693310-C-T.
Other names: c.2530C>T, p.His844Tyr (NM_001354263.2); short protein forms H844Y, H851Y.
Identifiers: ClinVar variation 4779990 (VCV004779990.1).
Genomic context (GRCh38, chr9:137,798,858, plus strand): 5'-GCATTTCTGTTGCAGGACGCAGAGGGCTCTACGTGTTTGCACCTGGCTGCCAAGAAAGGC[C>T]ACTACGAAGTGGTCCAGTACCTGCTTTCAAATGGACAGATGGACGTCAACTGTCAGGTAC-3'
Protein context (NP_079033.4, residues 841-861): TCLHLAAKKG[His851Tyr]YEVVQYLLSN

ClinVar aggregate classification (germline): Uncertain significance (1 of 4 stars; one submission).

Conditions:
Kleefstra syndrome 1 (KLEFS1). Identifiers: Orphanet 261494, MedGen C0795833, MONDO:0027407, OMIM 610253.

gnomAD v4.1: 1 of 1,614,200 alleles (0.000062%); highest among the groups gnomAD compares: South Asian, 0.0011%; no homozygotes.

Submission:

Labcorp Genetics (formerly Invitae), Labcorp
Classification: Uncertain significance for Kleefstra syndrome 1. Last evaluated: 2025-03-25. Review status: criteria provided, single submitter. Criteria: Invitae Variant Classification Sherloc (09022015). Collection method: clinical testing. Allele origin: germline.
Comment: This sequence change replaces histidine, which is basic and polar, with tyrosine, which is neutral and polar, at codon 851 of the EHMT1 protein (p.His851Tyr). This variant is not present in population databases (gnomAD no frequency). This variant has not been reported in the literature in individuals affected with EHMT1-related conditions. Invitae Evidence Modeling of protein sequence and biophysical properties (such as structural, functional, and spatial information, amino acid conservation, physicochemical variation, residue mobility, and thermodynamic stability) indicates that this missense variant is not expected to disrupt EHMT1 protein function with a negative predictive value of 80%. In summary, the available evidence is currently insufficient to determine the role of this variant in disease. Therefore, it has been classified as a Variant of Uncertain Significance.